The following is an entry in ClinVar:

ClinVar aggregate classification (germline): Uncertain significance. Review status: criteria provided, multiple submitters, no conflicts (2 of 4 stars). 2 submissions from 2 submitters: Uncertain significance (2). Last evaluated 2024-12-12.

gnomAD v4.1: 15 of 1,610,152 alleles (0.00093%); highest among the groups gnomAD compares: African/African-American, 0.015%; no homozygotes.

Submissions (2):

Ambry Genetics
Classification: Uncertain significance. Last evaluated: 2024-12-12. Review status: criteria provided, single submitter. Criteria: Ambry Variant Classification Scheme 2023. Collection method: clinical testing. Allele origin: germline.
Comment: The p.I358V variant (also known as c.1072A>G), located in coding exon 10 of the SRP72 gene, results from an A to G substitution at nucleotide position 1072. The isoleucine at codon 358 is replaced by valine, an amino acid with highly similar properties. This amino acid position is conserved. In addition, this alteration is predicted to be tolerated by in silico analysis. Based on the available evidence, the clinical significance of this variant remains unclear.

Labcorp Genetics (formerly Invitae), Labcorp
Classification: Uncertain significance. Last evaluated: 2024-05-29. Review status: criteria provided, single submitter. Criteria: Invitae Variant Classification Sherloc (09022015). Collection method: clinical testing. Allele origin: germline.
Comment: This sequence change replaces isoleucine, which is neutral and non-polar, with valine, which is neutral and non-polar, at codon 358 of the SRP72 protein (p.Ile358Val). This variant is present in population databases (rs764520914, gnomAD 0.02%). This variant has not been reported in the literature in individuals affected with SRP72-related conditions. Advanced modeling of protein sequence and biophysical properties (such as structural, functional, and spatial information, amino acid conservation, physicochemical variation, residue mobility, and thermodynamic stability) performed at Invitae indicates that this missense variant is not expected to disrupt SRP72 protein function with a negative predictive value of 80%. In summary, the available evidence is currently insufficient to determine the role of this variant in disease. Therefore, it has been classified as a Variant of Uncertain Significance.

NM_006947.4(SRP72):c.1072A>G (p.Ile358Val)

Gene: SRP72 (signal recognition particle 72; plus strand). Cytogenetic location: 4q12.
Variant type: single nucleotide variant.
Coding change: c.1072A>G on transcript NM_006947.4 (MANE Select); coding-DNA position 1072, A replaced by G.
Protein change: p.Ile358Val; replaces isoleucine 358 with valine.
Molecular consequence: missense variant. On other transcripts: non-coding transcript variant (1).
Genome position (GRCh38, 1-based): chr4:56,484,850, A>G. VCF-style: chr4-56484850-A-G. GRCh37 (hg19) VCF-style: chr4-57351016-A-G.
Other names: c.889A>G, p.Ile297Val (NM_001267722.2); short protein forms I297V, I358V.
Identifiers: ClinVar variation 3449440 (VCV003449440.4).